The following is an entry in ClinVar:

ClinVar aggregate classification (germline): Uncertain significance (1 of 4 stars; one submission).

Conditions:
Progressive sclerosing poliodystrophy (MTDPS4A). Also called: Mitochondrial DNA Depletion Syndrome 4A; ALPERS PROGRESSIVE INFANTILE POLIODYSTROPHY; NEURONAL DEGENERATION OF CHILDHOOD WITH LIVER DISEASE, PROGRESSIVE; Mitochondrial DNA depletion syndrome 4A (Alpers type); Alpers-Huttenlocher Syndrome (AHS); Alpers Syndrome. Identifiers: Orphanet 726, MedGen C0205710, MONDO:0008758, OMIM 203700.

Allele frequency attached by ClinVar (database versions not stated): gnomAD exomes below 0.00001; gnomAD 0.00001; TOPMed 0.00001.

Submission:

Labcorp Genetics (formerly Invitae), Labcorp
Classification: Uncertain significance for Progressive sclerosing poliodystrophy. Last evaluated: 2024-03-15. Review status: criteria provided, single submitter. Criteria: Invitae Variant Classification Sherloc (09022015). Collection method: clinical testing. Allele origin: germline.
Comment: This sequence change replaces leucine, which is neutral and non-polar, with methionine, which is neutral and non-polar, at codon 921 of the POLG protein (p.Leu921Met). This variant is not present in population databases (gnomAD no frequency). This variant has not been reported in the literature in individuals affected with POLG-related conditions. ClinVar contains an entry for this variant (Variation ID: 1972368). Advanced modeling of protein sequence and biophysical properties (such as structural, functional, and spatial information, amino acid conservation, physicochemical variation, residue mobility, and thermodynamic stability) performed at Invitae indicates that this missense variant is expected to disrupt POLG protein function with a positive predictive value of 95%. In summary, the available evidence is currently insufficient to determine the role of this variant in disease. Therefore, it has been classified as a Variant of Uncertain Significance.

NM_002693.3(POLG):c.2761C>A (p.Leu921Met)

Gene: POLG (DNA polymerase gamma, catalytic subunit; minus strand). Cytogenetic location: 15q26.1.
Variant type: single nucleotide variant.
Coding change: c.2761C>A on transcript NM_002693.3 (MANE Select); coding-DNA position 2761, C replaced by A.
Protein change: p.Leu921Met; replaces leucine 921 with methionine.
Molecular consequence: missense variant.
Genome position (GRCh38, 1-based): chr15:89,320,986, G>T on the plus strand (C>A on the coding strand, the complement: POLG is on the minus strand). VCF-style: chr15-89320986-G-T. GRCh37 (hg19) VCF-style: chr15-89864217-G-T.
Other names: c.2761C>A, p.Leu921Met (NM_001126131.2); short protein forms L921M.
Identifiers: ClinVar variation 1972368 (VCV001972368.4), dbSNP rs1341698634, ClinGen allele CA393753242.